The following is an entry in ClinVar:

NM_000275.3(OCA2):c.1841dup (p.His615fs)

Gene: OCA2 (OCA2 melanosomal transmembrane protein; minus strand). Cytogenetic location: 15q13.1.
Variant type: Duplication.
Coding change: c.1841dup on transcript NM_000275.3 (MANE Select); coding-DNA position 1841, one base duplicated (A; older notation c.1841dupA).
Protein change: p.His615fs; shifts the reading frame from histidine 615.
Molecular consequence: frameshift variant.
Genome position (GRCh38, 1-based): chr15:27,955,159, T duplicated on the plus strand (A on the coding strand, the reverse complement: OCA2 is on the minus strand); the first of 7 consecutive T bases (chr15:27,955,159-27,955,165); duplicating any one gives the same sequence. VCF-style (leftmost placement, unchanged base first): chr15-27955158-C-CT. GRCh37 (hg19) VCF-style: chr15-28200304-C-CT.
Other names: c.1769dup, p.His591fs (NM_001300984.2); short protein forms H591fs, H615fs.
Identifiers: ClinVar variation 2736162 (VCV002736162.4), dbSNP rs1322260893, ClinGen allele CA616709123.

ClinVar aggregate classification (germline): Pathogenic. Review status: criteria provided, multiple submitters, no conflicts (2 of 4 stars). 2 submissions from 2 submitters: Pathogenic (2). Last evaluated 2024-01-10.

Conditions:
Tyrosinase-positive oculocutaneous albinism (OCA2). Also called: ALBINISM II; Oculocutaneous albinism type 2; Albinism, oculocutaneous, type II. Identifiers: Orphanet 79432, MedGen C0268495, MONDO:0008746, OMIM 203200.
SKIN/HAIR/EYE PIGMENTATION 1, BLUE/NONBLUE EYES (SHEP1). Also called: BROWN EYE COLOR 2; EYE COLOR 3; EYE COLOR, BLUE/NONBLUE; EYE COLOR, BROWN/BLUE; HAIR COLOR 3; SKIN/HAIR/EYE PIGMENTATION 1, BLOND/BROWN HAIR. Identifiers: MedGen C1856895, OMIM 227220.

Submissions (2):

Fulgent Genetics
Classification: Pathogenic for Tyrosinase-positive oculocutaneous albinism; SKIN/HAIR/EYE PIGMENTATION 1, BLUE/NONBLUE EYES. Last evaluated: 2024-01-10. Review status: criteria provided, single submitter. Criteria: ACMG Guidelines, 2015. Collection method: clinical testing. Allele origin: germline.

Labcorp Genetics (formerly Invitae), Labcorp
Classification: Pathogenic. Last evaluated: 2023-05-01. Review status: criteria provided, single submitter. Criteria: Invitae Variant Classification Sherloc (09022015). Collection method: clinical testing. Allele origin: germline.
Comment: For these reasons, this variant has been classified as Pathogenic. This premature translational stop signal has been observed in individual(s) with oculocutaneous albinism (PMID: 27734839). This variant is present in population databases (no rsID available, gnomAD 0.01%). This sequence change creates a premature translational stop signal (p.His615Alafs*2) in the OCA2 gene. It is expected to result in an absent or disrupted protein product. Loss-of-function variants in OCA2 are known to be pathogenic (PMID: 19865097, 21541274).

Literature cited by the submitters: PubMed 27734839 (cited by Labcorp Genetics (formerly Invitae), Labcorp); PubMed 19865097 (cited by Labcorp Genetics (formerly Invitae), Labcorp); PubMed 21541274 (cited by Labcorp Genetics (formerly Invitae), Labcorp).